The following is an entry in ClinVar:

NM_022336.4(EDAR):c.*328G>A

Genes: EDAR (ectodysplasin A receptor; minus strand), RANBP2 (RAN binding protein 2; plus strand). Cytogenetic location: 2q13.
Variant type: single nucleotide variant.
Coding change: c.*328G>A on transcript NM_022336.4 (MANE Select); 328 bases downstream of the stop codon, G replaced by A.
Molecular consequence: 3 prime UTR variant.
Genome position (GRCh38, 1-based): chr2:108,896,579, C>T on the plus strand (G>A on the coding strand, the complement: EDAR is on the minus strand). VCF-style: chr2-108896579-C-T. GRCh37 (hg19) VCF-style: chr2-109513035-C-T.
Identifiers: ClinVar variation 330703 (VCV000330703.6), dbSNP rs75703116, ClinGen allele CA10610947.
Genomic context (GRCh38, chr2:108,896,579, plus strand): 5'-TCTACTGGAGTGCAAACTCCTTAAAGACAGGGACCAGATTCTTCACTTCTGTCATTCCCA[C>T]GGGGTTTGATTCATTTGAGTCCTCAACATTGTCTCATTGTTCAGTGAGTTAATGGTGGGC-3'

ClinVar aggregate classification (germline): Benign (1 of 4 stars; one submission).

Conditions:
Hypohidrotic ectodermal dysplasia (HED). Identifiers: Orphanet 238468, MedGen C5848103, MONDO:0016535, HP:0007607.

Allele frequency attached by ClinVar (database versions not stated): gnomAD 0.01779 and 0.01927; gnomAD exomes 0.00287; 1000 Genomes Project 0.01637; TOPMed 0.01985; 1000 Genomes Project 30x 0.01827.
gnomAD v4.1: 3,088 of 290,292 alleles (1.1%); highest among the groups gnomAD compares: African/African-American, 6.1%; 79 homozygotes.

Submission:

Illumina Laboratory Services, Illumina
Classification: Benign for Hypohidrotic ectodermal dysplasia. Last evaluated: 2018-01-13. Review status: criteria provided, single submitter. Criteria: ICSL Variant Classification Criteria 13 December 2019. Collection method: clinical testing. Allele origin: germline.
Comment: This variant was observed in the ICSL laboratory as part of a predisposition screen in an ostensibly healthy population. It had not been previously curated by ICSL or reported in the Human Gene Mutation Database (HGMD: prior to June 1st, 2018), and was therefore a candidate for classification through an automated scoring system. Utilizing variant allele frequency, disease prevalence and penetrance estimates, and inheritance mode, an automated score was calculated to assess if this variant is too frequent to cause the disease. Based on the score and internal cut-off values, a variant classified as benign is not then subjected to further curation. The score for this variant resulted in a classification of benign for this disease.